The following is an entry in ClinVar:

ClinVar aggregate classification (germline): Pathogenic (1 of 4 stars; one submission).

Conditions:
Cystinosis. Also called: Cystine diathesis; Cystine storage disease; Cystinoses. Identifiers: Orphanet 213, MedGen C4316899, MONDO:0016239.

Submission:

Myriad Genetics, Inc.
Classification: Pathogenic for Cystinosis. Last evaluated: 2025-09-13. Review status: criteria provided, single submitter. Criteria: Myriad Autosomal Dominant, Autosomal Recessive and X-Linked Classification Criteria (2023). Collection method: clinical testing. Allele origin: unknown.
Comment: NM_004937.2(CTNS):c.327delC(G110Afs*8) is expected to be pathogenic in the context of cystinosis. This variant is predicted to lead to an abnormal or absent protein product due to the creation of a premature termination codon in CTNS, a gene where loss-of-function variants are known to be pathogenic. Please note: this variant was assessed in the context of healthy population screening.

NM_004937.3(CTNS):c.327del (p.Gly110fs)

Genes: CTNS (cystinosin, lysosomal cystine transporter; plus strand), CTNS-AS1 (CTNS antisense RNA 1; minus strand). Cytogenetic location: 17p13.2.
Variant type: Deletion.
Coding change: c.327del on transcript NM_004937.3 (MANE Select); coding-DNA position 327, one base deleted (C; older notation c.327delC).
Protein change: p.Gly110fs; shifts the reading frame from glycine 110.
Molecular consequence: frameshift variant. On other transcripts: 5 prime UTR variant (4).
Genome position (GRCh38, 1-based): chr17:3,655,099, C deleted; the last of 2 consecutive C bases (chr17:3,655,098-3,655,099); deleting either gives the same sequence. VCF-style (leftmost placement, unchanged base first): chr17-3655097-AC-A. GRCh37 (hg19) VCF-style: chr17-3558391-AC-A.
Other names: c.327del, p.Gly110fs (NM_001031681.3, NM_001374492.1); c.-115del (NM_001374493.1, NM_001374494.1, NM_001374495.1 and 1 more transcripts); short protein forms G110fs.
Identifiers: ClinVar variation 5014971 (VCV005014971.1).